The following is an entry in ClinVar:

NM_001378414.1(HDAC4):c.3200T>C (p.Leu1067Pro)

Gene: HDAC4 (histone deacetylase 4; minus strand). Cytogenetic location: 2q37.3.
Variant type: single nucleotide variant.
Coding change: c.3200T>C on transcript NM_001378414.1 (MANE Select); coding-DNA position 3200, T replaced by C.
Protein change: p.Leu1067Pro; replaces leucine 1067 with proline.
Molecular consequence: missense variant.
Genome position (GRCh38, 1-based): chr2:239,053,490, A>G on the plus strand (T>C on the coding strand, the complement: HDAC4 is on the minus strand). VCF-style: chr2-239053490-A-G. GRCh37 (hg19) VCF-style: chr2-239975186-A-G.
Other names: c.3200T>C, p.Leu1067Pro (NM_001378415.1); c.3185T>C, p.Leu1062Pro (NM_001378416.1, NM_001378417.1, NM_006037.4); short protein forms L1062P, L1067P.
Identifiers: ClinVar variation 3767399 (VCV003767399.1).

ClinVar aggregate classification (germline): Uncertain significance (1 of 4 stars; one submission).

Submission:

GeneDx
Classification: Uncertain significance. Last evaluated: 2024-09-04. Review status: criteria provided, single submitter. Criteria: GeneDx Variant Classification Process June 2021. Collection method: clinical testing. Allele origin: germline. Affected: yes.
Comment: Not observed at significant frequency in large population cohorts (gnomAD); In silico analysis supports that this missense variant has a deleterious effect on protein structure/function; Has not been previously published as pathogenic or benign to our knowledge